The following is an entry in ClinVar:

ClinVar aggregate classification (germline): Uncertain significance (1 of 4 stars; one submission).

Conditions:
Inborn genetic diseases. Identifiers: MedGen C0950123, MeSH D030342.

gnomAD v4.1: 1 of 1,578,412 alleles (0.000063%); highest among the groups gnomAD compares: Admixed American, 0.0017%; no homozygotes.

Submission:

Ambry Genetics
Classification: Uncertain significance for Inborn genetic diseases. Last evaluated: 2025-04-10. Review status: criteria provided, single submitter. Criteria: Ambry Variant Classification Scheme 2023. Collection method: clinical testing. Allele origin: germline.
Comment: The p.C30R variant (also known as c.88T>C), located in coding exon 1 of the SH2B3 gene, results from a T to C substitution at nucleotide position 88. The cysteine at codon 30 is replaced by arginine, an amino acid with highly dissimilar properties. This amino acid position is conserved. In addition, this alteration is predicted to be deleterious by in silico analysis. Based on the available evidence, the clinical significance of this variant remains unclear.

NM_005475.3(SH2B3):c.88T>C (p.Cys30Arg)

Gene: SH2B3 (SH2B adaptor protein 3; plus strand). Cytogenetic location: 12q24.12.
Variant type: single nucleotide variant.
Coding change: c.88T>C on transcript NM_005475.3 (MANE Select); coding-DNA position 88, T replaced by C.
Protein change: p.Cys30Arg; replaces cysteine 30 with arginine.
Molecular consequence: missense variant.
Genome position (GRCh38, 1-based): chr12:111,418,233, T>C. VCF-style: chr12-111418233-T-C. GRCh37 (hg19) VCF-style: chr12-111856037-T-C.
Other names: short protein forms C30R.
Identifiers: ClinVar variation 3953436 (VCV003953436.1).